The following is an entry in ClinVar:

ClinVar aggregate classification (germline): Uncertain significance. Review status: criteria provided, multiple submitters, no conflicts (2 of 4 stars). 2 submissions from 2 submitters: Uncertain significance (2). Last evaluated 2024-09-12.

Conditions:
Mitochondrial hypertrophic cardiomyopathy with lactic acidosis due to MTO1 deficiency. Also called: Combined oxidative phosphorylation deficiency 10; CARDIOMYOPATHY, INFANTILE HYPERTROPHIC MITOCHONDRIAL, AND LACTIC ACIDOSIS. Identifiers: Orphanet 314637, MedGen C4749921, MONDO:0013865, OMIM 614702.

Allele frequency attached by ClinVar (database versions not stated): gnomAD 0.00001; gnomAD exomes 0.00001 and 0.00002; ExAC 0.00002; TOPMed 0.00003; ESP Exome Variant Server 0.00008.
gnomAD v4.1: 17 of 1,613,874 alleles (0.0011%); highest among the groups gnomAD compares: East Asian, 0.0045%; no homozygotes.

Submissions (2):

Blueprint Genetics
Classification: Uncertain significance. Last evaluated: 2024-09-12. Review status: criteria provided, single submitter. Criteria: ACMG Guidelines, 2015. Collection method: clinical testing. Allele origin: germline.

Labcorp Genetics (formerly Invitae), Labcorp
Classification: Uncertain significance for Mitochondrial hypertrophic cardiomyopathy with lactic acidosis due to MTO1 deficiency. Last evaluated: 2022-08-23. Review status: criteria provided, single submitter. Criteria: Invitae Variant Classification Sherloc (09022015). Collection method: clinical testing. Allele origin: germline.
Comment: This sequence change replaces arginine, which is basic and polar, with glutamine, which is neutral and polar, at codon 431 of the MTO1 protein (p.Arg431Gln). This variant is present in population databases (rs367815963, gnomAD 0.005%). This variant has not been reported in the literature in individuals affected with MTO1-related conditions. ClinVar contains an entry for this variant (Variation ID: 852190). Algorithms developed to predict the effect of missense changes on protein structure and function (SIFT, PolyPhen-2, Align-GVGD) all suggest that this variant is likely to be tolerated. In summary, the available evidence is currently insufficient to determine the role of this variant in disease. Therefore, it has been classified as a Variant of Uncertain Significance.

NM_012123.4(MTO1):c.1292G>A (p.Arg431Gln)

Gene: MTO1 (mitochondrial tRNA translation optimization 1; plus strand). Cytogenetic location: 6q13.
Variant type: single nucleotide variant.
Coding change: c.1292G>A on transcript NM_012123.4 (MANE Select); coding-DNA position 1292, G replaced by A.
Protein change: p.Arg431Gln; replaces arginine 431 with glutamine.
Molecular consequence: missense variant.
Genome position (GRCh38, 1-based): chr6:73,482,071, G>A. VCF-style: chr6-73482071-G-A. GRCh37 (hg19) VCF-style: chr6-74191794-G-A.
Other names: c.1412G>A, p.Arg471Gln (NM_001123226.2); c.1367G>A, p.Arg456Gln (NM_133645.3); short protein forms R456Q, R471Q, R431Q.
Identifiers: ClinVar variation 852190 (VCV000852190.8), dbSNP rs367815963, ClinGen allele CA3889610.